The following is an entry in ClinVar:

ClinVar aggregate classification (germline): Uncertain significance. Review status: criteria provided, single submitter (1 of 4 stars). 2 submissions from 2 submitters: Uncertain significance (1). 1 of the submissions does not count toward it. Last evaluated 2024-11-10.

Conditions:
ARSD-related disorder. Also called: ARSD-related condition.

Allele frequency attached by ClinVar (database versions not stated): TOPMed 0.00029; gnomAD exomes 0.00043; gnomAD 0.00044; ESP Exome Variant Server 0.00047; ExAC 0.00061.
gnomAD v4.1: 526 of 1,209,429 alleles (0.043%); highest among the groups gnomAD compares: Non-Finnish European, 0.05%; 1 homozygote.

Submissions (2):

Ambry Genetics
Classification: Uncertain significance. Last evaluated: 2024-11-10. Review status: criteria provided, single submitter. Criteria: Ambry Variant Classification Scheme 2023. Collection method: clinical testing. Allele origin: germline.

PreventionGenetics, part of Exact Sciences
Classification: Likely benign for ARSD-related condition. Last evaluated: 2023-07-25. Review status: no assertion criteria provided. Collection method: clinical testing. Allele origin: germline. Not counted in ClinVar's aggregate classification.
Comment: This variant is classified as likely benign based on ACMG/AMP sequence variant interpretation guidelines (Richards et al. 2015 PMID: 25741868, with internal and published modifications).

NM_001669.4(ARSD):c.62T>C (p.Leu21Pro)

Gene: ARSD (arylsulfatase D; minus strand). Cytogenetic location: Xp22.33.
Variant type: single nucleotide variant.
Coding change: c.62T>C on transcript NM_001669.4 (MANE Select); coding-DNA position 62, T replaced by C.
Protein change: p.Leu21Pro; replaces leucine 21 with proline.
Molecular consequence: missense variant.
Genome position (GRCh38, 1-based): chrX:2,925,748, A>G on the plus strand (T>C on the coding strand, the complement: ARSD is on the minus strand). VCF-style: chrX-2925748-A-G. GRCh37 (hg19) VCF-style: chrX-2843789-A-G.
Other names: c.62T>C, p.Leu21Pro (NM_009589.5); short protein forms L21P.
Identifiers: ClinVar variation 2347154 (VCV002347154.5), dbSNP rs202070019, ClinGen allele CA10337940.